The following is an entry in ClinVar:

NM_002439.5(MSH3):c.2435+4A>C

Gene: MSH3 (mutS homolog 3; plus strand). Cytogenetic location: 5q14.1.
Variant type: single nucleotide variant.
Coding change: c.2435+4A>C on transcript NM_002439.5 (MANE Select); 4 bases into the intron after coding-DNA position 2435, A replaced by C.
Molecular consequence: intron variant.
Genome position (GRCh38, 1-based): chr5:80,778,840, A>C. VCF-style: chr5-80778840-A-C. GRCh37 (hg19) VCF-style: chr5-80074659-A-C.
Other names: c.2435+4A>C (NM_002439.3).
Identifiers: ClinVar variation 2125871 (VCV002125871.5), dbSNP rs765789410, ClinGen allele CA2580073618.

ClinVar aggregate classification (germline): Uncertain significance. Review status: criteria provided, multiple submitters, no conflicts (2 of 4 stars). 2 submissions from 2 submitters: Uncertain significance (2). Last evaluated 2025-09-05.

Conditions:
Hereditary cancer-predisposing syndrome. Also called: Hereditary neoplastic syndrome; Tumor predisposition; Hereditary Cancer Syndrome; Neoplastic Syndromes, Hereditary. Identifiers: Orphanet 140162, MedGen C0027672, MeSH D009386, MONDO:0015356.

Submissions (2):

Ambry Genetics
Classification: Uncertain significance for Hereditary cancer-predisposing syndrome. Last evaluated: 2025-09-05. Review status: criteria provided, single submitter. Criteria: Ambry Variant Classification Scheme 2023. Collection method: clinical testing. Allele origin: germline.
Comment: The c.2435+4A>C intronic variant results from an A to C substitution 4 nucleotides after coding exon 17 in the MSH3 gene. This nucleotide position is well conserved in available vertebrate species. In silico splice site analysis predicts that this alteration will weaken the native splice donor site. RNA studies have demonstrated that this alteration results in a splice defect; the clinical impact of this abnormal splicing is unknown at this time (Ambry internal data). Based on the available evidence, the clinical significance of this variant remains unclear.

Labcorp Genetics (formerly Invitae), Labcorp
Classification: Uncertain significance. Last evaluated: 2022-04-13. Review status: criteria provided, single submitter. Criteria: Invitae Variant Classification Sherloc (09022015). Collection method: clinical testing. Allele origin: germline.
Comment: In summary, the available evidence is currently insufficient to determine the role of this variant in disease. Therefore, it has been classified as a Variant of Uncertain Significance. Variants that disrupt the consensus splice site are a relatively common cause of aberrant splicing (PMID: 17576681, 9536098). Algorithms developed to predict the effect of sequence changes on RNA splicing suggest that this variant may disrupt the consensus splice site. This variant has not been reported in the literature in individuals affected with MSH3-related conditions. This variant is not present in population databases (gnomAD no frequency). This sequence change falls in intron 17 of the MSH3 gene. It does not directly change the encoded amino acid sequence of the MSH3 protein. It affects a nucleotide within the consensus splice site.

Literature cited by the submitters: PubMed 17576681 (cited by Labcorp Genetics (formerly Invitae), Labcorp); PubMed 9536098 (cited by Labcorp Genetics (formerly Invitae), Labcorp).